The following is an entry in ClinVar:

NM_000535.7(PMS2):c.2284A>G (p.Thr762Ala)

Gene: PMS2 (PMS1 homolog 2, mismatch repair system component; minus strand). Cytogenetic location: 7p22.1.
Variant type: single nucleotide variant.
Coding change: c.2284A>G on transcript NM_000535.7 (MANE Select); coding-DNA position 2284, A replaced by G.
Protein change: p.Thr762Ala; replaces threonine 762 with alanine.
Molecular consequence: missense variant. On other transcripts: intron variant (2).
Genome position (GRCh38, 1-based): chr7:5,977,749, T>C on the plus strand (A>G on the coding strand, the complement: PMS2 is on the minus strand). VCF-style: chr7-5977749-T-C. GRCh37 (hg19) VCF-style: chr7-6017380-T-C.
Other names: c.1879A>G, p.Thr627Ala (NM_001018040.1, NM_001322003.2, NM_001322004.2 and 12 more transcripts); c.2128A>G, p.Thr710Ala (NM_001322006.2); c.1966A>G, p.Thr656Ala (NM_001322007.2, NM_001322008.2, NM_001406883.1); c.1912A>G, p.Thr638Ala (NM_001322009.2, NM_001406888.1, NM_001406887.1); c.1723A>G, p.Thr575Ala (NM_001322010.2, NM_001406907.1, NM_001406906.1); c.1351A>G, p.Thr451Ala (NM_001322011.2, NM_001322012.2); c.1711A>G, p.Thr571Ala (NM_001322013.2, NM_001406908.1, NM_001406909.1); c.2317A>G, p.Thr773Ala (NM_001322014.2); and 20 more; short protein forms T361A, T451A, T505A, T571A, T575A, T591A, T600A, T604A.
Identifiers: ClinVar variation 3251140 (VCV003251140.18), dbSNP rs2128675863.
Genomic context (GRCh38, chr7:5,977,749, plus strand): 5'-CCTGGGGTCCGAAGGTCCAGTTTTTACTAGTTGGCAAGGAAATCAGTTTAGCCCTTTCAG[T>C]GACTGGAGCTAAAAGAATACAATTTTGAGAAAAATCCATGACTTGACAAACACGTTTCAC-3'
Protein context (NP_000526.2, residues 752-772): DFVIDENAPV[Thr762Ala]ERAKLISLPT

ClinVar aggregate classification (germline): Uncertain significance (1 of 4 stars; one submission).

Allele frequency attached by ClinVar (database versions not stated): gnomAD exomes 0.00001.
gnomAD v4.1: 6 of 1,605,632 alleles (0.00037%); highest among the groups gnomAD compares: Non-Finnish European, 0.00051%; no homozygotes.

Submission:

CeGaT Center for Human Genetics Tuebingen
Classification: Uncertain significance. Last evaluated: 2024-06-01. Review status: criteria provided, single submitter. Criteria: CeGaT Center For Human Genetics Tuebingen Variant Classification Criteria Version 2. Collection method: clinical testing. Allele origin: germline. Affected: yes. Observed: 1 variant allele.
Comment: PMS2: PM2, PP2